The following is an entry in ClinVar:

NM_018474.6(KIZ):c.1384dup (p.Arg462fs)

Genes: KIZ (kizuna centrosomal protein; plus strand), KIZ-AS1 (KIZ antisense RNA 1; minus strand). Cytogenetic location: 20p11.23.
Variant type: Duplication.
Coding change: c.1384dup on transcript NM_018474.6 (MANE Select); coding-DNA position 1384, one base duplicated (A; older notation c.1384dupA).
Protein change: p.Arg462fs; shifts the reading frame from arginine 462.
Molecular consequence: frameshift variant.
Genome position (GRCh38, 1-based): chr20:21,205,522, A duplicated. VCF-style (leftmost placement, unchanged base first): chr20-21205521-G-GA. GRCh37 (hg19) VCF-style: chr20-21186160-G-GA.
Other names: c.1075dup, p.Arg359fs (NM_001163022.3, NM_001352435.2); c.985dup, p.Arg329fs (NM_001163023.3); c.1237dup, p.Arg413fs (NM_001276389.2); c.1384dup, p.Arg462fs (NM_001352434.2); c.1042dup, p.Arg348fs (NM_001352436.2); c.1384dupA (NM_018474.5); short protein forms R329fs, R413fs, R359fs, R462fs, R348fs.
Identifiers: ClinVar variation 1043251 (VCV001043251.8), dbSNP rs773759543, ClinGen allele CA312984359.
Genomic context (GRCh38, chr20:21,205,521, plus strand): 5'-TATAGTGAGTGTCCTGTTTCTGTTTTATAGACCTGGACAAACACCAGACTCAGACGTACC[G>GA]AGGGCACAGGTGGGTCAGCATGTTGCCACCTTGAAAGAACATGATAATTCTGTCAAAGAA-3'

ClinVar aggregate classification (germline): Conflicting classifications of pathogenicity. Review status: criteria provided, conflicting classifications (1 of 4 stars). 3 submissions from 3 submitters: Uncertain significance (1); Likely benign (2). Last evaluated 2025-07-28.

Conditions:
KIZ-related disorder. Also called: KIZ-related condition.

Allele frequency attached by ClinVar (database versions not stated): gnomAD exomes 0.03069; ExAC 0.13095.

Submissions (3):

PreventionGenetics, part of Exact Sciences
Classification: Likely benign for KIZ-related condition. Last evaluated: 2025-07-28. Review status: criteria provided, single submitter. Criteria: ACMG Guidelines, 2015. Collection method: clinical testing. Allele origin: germline.
Comment: This variant is classified as likely benign based on ACMG/AMP sequence variant interpretation guidelines (Richards et al. 2015 PMID: 25741868, with internal and published modifications).

Labcorp Genetics (formerly Invitae), Labcorp
Classification: Uncertain significance. Last evaluated: 2025-02-10. Review status: criteria provided, single submitter. Criteria: Invitae Variant Classification Sherloc (09022015). Collection method: clinical testing. Allele origin: germline.
Comment: This sequence change replaces arginine, which is basic and polar, with lysine, which is basic and polar, at codon 462 of the KIZ protein (p.Arg462Lys). This variant is present in population databases (rs773759543, gnomAD 37%), and has an allele count higher than expected for a pathogenic variant. This variant has not been reported in the literature in individuals affected with KIZ-related conditions. Experimental studies and prediction algorithms are not available or were not evaluated, and the functional significance of this variant is currently unknown. In summary, the available evidence is currently insufficient to determine the role of this variant in disease. Therefore, it has been classified as a Variant of Uncertain Significance.

Blueprint Genetics
Classification: Likely benign. Last evaluated: 2024-07-01. Review status: criteria provided, single submitter. Criteria: ACMG Guidelines, 2015. Collection method: clinical testing. Allele origin: germline.